The following is an entry in ClinVar:

NM_181486.4(TBX5):c.104C>A (p.Pro35His)

Gene: TBX5 (T-box transcription factor 5; minus strand). Cytogenetic location: 12q24.21.
Variant type: single nucleotide variant.
Coding change: c.104C>A on transcript NM_181486.4 (MANE Select); coding-DNA position 104, C replaced by A.
Protein change: p.Pro35His; replaces proline 35 with histidine.
Molecular consequence: missense variant. On other transcripts: intron variant (1).
Genome position (GRCh38, 1-based): chr12:114,403,795, G>T on the plus strand (C>A on the coding strand, the complement: TBX5 is on the minus strand). VCF-style: chr12-114403795-G-T. GRCh37 (hg19) VCF-style: chr12-114841600-G-T.
Other names: c.104C>A, p.Pro35His (NM_000192.3); c.-3-1875C>A (NM_080717.4); short protein forms P35H.
Identifiers: ClinVar variation 1776514 (VCV001776514.3), dbSNP rs776705102, ClinGen allele CA6809718.

ClinVar aggregate classification (germline): Uncertain significance. Review status: criteria provided, multiple submitters, no conflicts (2 of 4 stars). 2 submissions from 2 submitters: Uncertain significance (2). Last evaluated 2025-02-26.

Conditions:
Cardiovascular phenotype. Identifiers: MedGen CN230736.
Aortic valve disease 2 (AOVD2). Identifiers: MedGen C3542024, MONDO:0013902, OMIM 614823.

Allele frequency attached by ClinVar (database versions not stated): TOPMed below 0.00001; ExAC 0.00002; gnomAD exomes 0.00002.
gnomAD v4.1: 26 of 1,614,088 alleles (0.0016%); highest among the groups gnomAD compares: Non-Finnish European, 0.002%; no homozygotes.

Submissions (2):

Labcorp Genetics (formerly Invitae), Labcorp
Classification: Uncertain significance for Aortic valve disease 2. Last evaluated: 2025-02-26. Review status: criteria provided, single submitter. Criteria: Invitae Variant Classification Sherloc (09022015). Collection method: clinical testing. Allele origin: germline.
Comment: This sequence change replaces proline, which is neutral and non-polar, with histidine, which is basic and polar, at codon 35 of the TBX5 protein (p.Pro35His). This variant is present in population databases (rs776705102, gnomAD 0.004%). This variant has not been reported in the literature in individuals affected with TBX5-related conditions. ClinVar contains an entry for this variant (Variation ID: 1776514). Invitae Evidence Modeling of protein sequence and biophysical properties (such as structural, functional, and spatial information, amino acid conservation, physicochemical variation, residue mobility, and thermodynamic stability) indicates that this missense variant is not expected to disrupt TBX5 protein function with a negative predictive value of 95%. In summary, the available evidence is currently insufficient to determine the role of this variant in disease. Therefore, it has been classified as a Variant of Uncertain Significance.

Ambry Genetics
Classification: Uncertain significance for Cardiovascular phenotype. Last evaluated: 2022-07-06. Review status: criteria provided, single submitter. Criteria: Ambry Variant Classification Scheme 2023. Collection method: clinical testing. Allele origin: germline.
Comment: The p.P35H variant (also known as c.104C>A), located in coding exon 1 of the TBX5 gene, results from a C to A substitution at nucleotide position 104. The proline at codon 35 is replaced by histidine, an amino acid with similar properties. This amino acid position is conserved. In addition, this alteration is predicted to be tolerated by in silico analysis. Since supporting evidence is limited at this time, the clinical significance of this alteration remains unclear.